The following is an entry in ClinVar:

NM_001042492.3(NF1):c.4430+4A>G

Gene: NF1 (neurofibromin 1; plus strand). Cytogenetic location: 17q11.2.
Variant type: single nucleotide variant.
Coding change: c.4430+4A>G on transcript NM_001042492.3 (MANE Select); 4 bases into the intron after coding-DNA position 4430, A replaced by G.
Molecular consequence: intron variant.
Genome position (GRCh38, 1-based): chr17:31,259,133, A>G. VCF-style: chr17-31259133-A-G. GRCh37 (hg19) VCF-style: chr17-29586151-A-G.
Other names: c.4367+4A>G (NM_000267.4).
Identifiers: ClinVar variation 4119073 (VCV004119073.1).
Genomic context (GRCh38, chr17:31,259,133, plus strand): 5'-AGAACATATGCGGCCTTTCAATGATTTTGTGAAAAGCAACTTTGATGCAGCACGCAGGTA[A>G]TTTTCTTGCCACTTACTCAGTTGCTCTGTTTGAATCAAATATTTTCGGTTTCACATAAAT-3'

ClinVar aggregate classification (germline): Uncertain significance (1 of 4 stars; one submission).

Conditions:
Cardiovascular phenotype. Identifiers: MedGen CN230736.
Hereditary cancer-predisposing syndrome. Also called: Hereditary neoplastic syndrome; Neoplastic Syndromes, Hereditary; Tumor predisposition; Hereditary Cancer Syndrome. Identifiers: Orphanet 140162, MedGen C0027672, MeSH D009386, MONDO:0015356.

Submission:

Ambry Genetics
Classification: Uncertain significance for Cardiovascular phenotype; Hereditary cancer-predisposing syndrome. Last evaluated: 2025-06-27. Review status: criteria provided, single submitter. Criteria: Ambry Variant Classification Scheme 2023. Collection method: clinical testing. Allele origin: germline.
Comment: The c.4367+4A>G intronic variant results from an A to G substitution 4 nucleotides after coding exon 32 in the NF1 gene. This nucleotide position is well conserved in available vertebrate species. In silico splice site analysis predicts that this alteration will not have any significant effect on splicing. Based on the available evidence, the clinical significance of this variant remains unclear.